The following is an entry in ClinVar:

ClinVar aggregate classification (germline): Uncertain significance. Review status: criteria provided, multiple submitters, no conflicts (2 of 4 stars). 4 submissions from 4 submitters: Uncertain significance (4). Last evaluated 2025-08-25.

Conditions:
CDH23-related disorder. Also called: CDH23-related disorders; CDH23-related condition.
Inborn genetic diseases. Identifiers: MedGen C0950123, MeSH D030342.

Allele frequency attached by ClinVar (database versions not stated): gnomAD exomes 0.00001; ESP Exome Variant Server 0.00008; ExAC 0.00001.
gnomAD v4.1: 7 of 1,613,980 alleles (0.00043%); highest among the groups gnomAD compares: South Asian, 0.0055%; no homozygotes.

Submissions (4):

PreventionGenetics, part of Exact Sciences
Classification: Uncertain significance for CDH23-related condition. Last evaluated: 2025-08-25. Review status: criteria provided, single submitter. Criteria: ACMG Guidelines, 2015. Collection method: clinical testing. Allele origin: germline.
Comment: The CDH23 c.8365C>T variant is predicted to result in the amino acid substitution p.Arg2789Trp. To our knowledge, this variant has not been reported in the literature. This variant is present in 0.0056% of alleles in individuals of East Asian descent in gnomAD. At this time, the clinical significance of this variant is uncertain due to the absence of conclusive functional and genetic evidence.

Ambry Genetics
Classification: Uncertain significance for Inborn genetic diseases. Last evaluated: 2023-09-23. Review status: criteria provided, single submitter. Criteria: Ambry Variant Classification Scheme 2023. Collection method: clinical testing. Allele origin: germline.

GeneDx
Classification: Uncertain significance. Last evaluated: 2023-06-29. Review status: criteria provided, single submitter. Criteria: GeneDx Variant Classification Process June 2021. Collection method: clinical testing. Allele origin: germline. Affected: yes.
Comment: Not observed at significant frequency in large population cohorts (gnomAD); In silico analysis supports that this missense variant has a deleterious effect on protein structure/function; Has not been previously published as pathogenic or benign to our knowledge

Blueprint Genetics
Classification: Uncertain significance. Last evaluated: 2019-05-08. Review status: criteria provided, single submitter. Criteria: ACMG Guidelines, 2015. Collection method: clinical testing. Allele origin: germline.

NM_022124.6(CDH23):c.8365C>T (p.Arg2789Trp)

Gene: CDH23 (cadherin related 23; plus strand). Cytogenetic location: 10q22.1.
Variant type: single nucleotide variant.
Coding change: c.8365C>T on transcript NM_022124.6 (MANE Select); coding-DNA position 8365, C replaced by T.
Protein change: p.Arg2789Trp; replaces arginine 2789 with tryptophan.
Molecular consequence: missense variant.
Genome position (GRCh38, 1-based): chr10:71,807,572, C>T. VCF-style: chr10-71807572-C-T. GRCh37 (hg19) VCF-style: chr10-73567329-C-T.
Other names: c.1645C>T, p.Arg549Trp (NM_001171933.1, NM_001171934.1); short protein forms R2789W, R549W.
Identifiers: ClinVar variation 3141219 (VCV003141219.4), dbSNP rs375212593, ClinGen allele CA5546631.